The following is an entry in ClinVar:

ClinVar aggregate classification (germline): Pathogenic (1 of 4 stars; one submission).

Conditions:
Neurofibromatosis, type 1 (NF1). Also called: NEUROFIBROMATOSIS, TYPE I, SOMATIC; VON RECKLINGHAUSEN DISEASE; Neurofibromatosis, type I; Peripheral type neurofibromatosis. Identifiers: Orphanet 636, MedGen C0027831, MONDO:0018975, OMIM 162200. Disease mechanism: loss of function.

Submission:

Labcorp Genetics (formerly Invitae), Labcorp
Classification: Pathogenic for Neurofibromatosis, type 1. Last evaluated: 2020-01-31. Review status: criteria provided, single submitter. Criteria: Invitae Variant Classification Sherloc (09022015). Collection method: clinical testing. Allele origin: germline.
Comment: For these reasons, this variant has been classified as Pathogenic. Loss-of-function variants in NF1 are known to be pathogenic (PMID: 10712197, 23913538). This variant has not been reported in the literature in individuals with NF1-related disease. ClinVar contains an entry for this variant (Variation ID: 645159). This variant is not present in population databases (ExAC no frequency). This sequence change creates a premature translational stop signal (p.Glu1811Asnfs*31) in the NF1 gene. It is expected to result in an absent or disrupted protein product.

Literature cited by the submitters: PubMed 10712197; PubMed 23913538.

NM_001042492.3(NF1):c.5494del (p.Glu1832fs)

Gene: NF1 (neurofibromin 1; plus strand). Cytogenetic location: 17q11.2.
Variant type: Deletion.
Coding change: c.5494del on transcript NM_001042492.3 (MANE Select); coding-DNA position 5494, one base deleted (G; older notation c.5494delG).
Protein change: p.Glu1832fs; shifts the reading frame from glutamic acid 1832.
Molecular consequence: frameshift variant.
Genome position (GRCh38, 1-based): chr17:31,327,724, G deleted; the last of 3 consecutive G bases (chr17:31,327,722-31,327,724); deleting any one gives the same sequence. VCF-style (leftmost placement, unchanged base first): chr17-31327721-TG-T. GRCh37 (hg19) VCF-style: chr17-29654739-TG-T.
Other names: c.5431delG (NM_000267.3); c.5431delG, p.Glu1811Asnfs (NM_000267.4); short protein forms E1811fs, E1832fs.
Identifiers: ClinVar variation 645159 (VCV000645159.5), dbSNP rs1597832223, ClinGen allele CA915949831.